The following is an entry in ClinVar:

NM_017763.6(RNF43):c.1442A>T (p.Asn481Ile)

Gene: RNF43 (ring finger protein 43; minus strand). Cytogenetic location: 17q22.
Variant type: single nucleotide variant.
Coding change: c.1442A>T on transcript NM_017763.6 (MANE Select); coding-DNA position 1442, A replaced by T.
Protein change: p.Asn481Ile; replaces asparagine 481 with isoleucine.
Molecular consequence: missense variant.
Genome position (GRCh38, 1-based): chr17:58,358,334, T>A on the plus strand (A>T on the coding strand, the complement: RNF43 is on the minus strand). VCF-style: chr17-58358334-T-A. GRCh37 (hg19) VCF-style: chr17-56435695-T-A.
Other names: c.1442A>T, p.Asn481Ile (NM_001305544.3); c.1061A>T, p.Asn354Ile (NM_001305545.2); short protein forms N354I, N481I.
Identifiers: ClinVar variation 3699986 (VCV003699986.2).

ClinVar aggregate classification (germline): Uncertain significance (1 of 4 stars; one submission).

Submission:

Labcorp Genetics (formerly Invitae), Labcorp
Classification: Uncertain significance. Last evaluated: 2024-04-03. Review status: criteria provided, single submitter. Criteria: Invitae Variant Classification Sherloc (09022015). Collection method: clinical testing. Allele origin: germline.
Comment: This sequence change replaces asparagine, which is neutral and polar, with isoleucine, which is neutral and non-polar, at codon 481 of the RNF43 protein (p.Asn481Ile). This variant is not present in population databases (gnomAD no frequency). This variant has not been reported in the literature in individuals affected with RNF43-related conditions. An algorithm developed to predict the effect of missense changes on protein structure and function (PolyPhen-2) suggests that this variant is likely to be disruptive. In summary, the available evidence is currently insufficient to determine the role of this variant in disease. Therefore, it has been classified as a Variant of Uncertain Significance.